The following is an entry in ClinVar:

NM_001370259.2(MEN1):c.526del (p.Ala176fs)

Gene: MEN1 (menin 1; minus strand). Cytogenetic location: 11q13.1.
Variant type: Deletion.
Coding change: c.526del on transcript NM_001370259.2 (MANE Select); coding-DNA position 526, one base deleted (G; older notation c.526delG).
Protein change: p.Ala176fs; shifts the reading frame from alanine 176.
Molecular consequence: frameshift variant.
Genome position (GRCh38, 1-based): chr11:64,808,019, C deleted on the plus strand (G on the coding strand, the reverse complement: MEN1 is on the minus strand). VCF-style (leftmost placement, unchanged base first): chr11-64808018-GC-G. GRCh37 (hg19) VCF-style: chr11-64575490-GC-G.
Other names: c.541del, p.Ala181fs (NM_000244.4, NM_130800.3, NM_130801.3 and 3 more transcripts); c.526del, p.Ala176fs (NM_001370251.2, NM_001370260.2, NM_001370261.2 and 3 more transcripts); c.526delG, p.Ala176Profs (NM_001407142.1, NM_001407143.1, NM_001407144.1 and 6 more transcripts); c.541delG, p.Ala181Profs (NM_001407145.1, NM_001407150.1); short protein forms A176fs, A181fs.
Identifiers: ClinVar variation 1746493 (VCV001746493.5), dbSNP rs2497224766, ClinGen allele CA2580084536.
Genomic context (GRCh38, chr11:64,808,018, plus strand): 5'-ACCTCAGCTGTCTGCTCCCCATTGGGCCCAAACACTACCCAGGCATGATCCTCAGACAGG[GC>G]GAGGTGGACATCCCGGAGACCCAGGGCCTGGCAGGCCCCAACCACAGCAAAGGCCACACC-3'

ClinVar aggregate classification (germline): Pathogenic. Review status: criteria provided, multiple submitters, no conflicts (2 of 4 stars). 2 submissions from 2 submitters: Pathogenic (2). Last evaluated 2025-09-09.

Conditions:
Multiple endocrine neoplasia, type 1 (MEN1). Also called: MEA I; MEN I; WERMER SYNDROME; Endocrine adenomatosis multiple; MEN 1. Identifiers: Orphanet 652, MedGen C0025267, MeSH D018761, MONDO:0007540, OMIM 131100.
Hereditary cancer-predisposing syndrome. Also called: Neoplastic Syndromes, Hereditary; Tumor predisposition; Hereditary Cancer Syndrome; Hereditary neoplastic syndrome. Identifiers: Orphanet 140162, MedGen C0027672, MeSH D009386, MONDO:0015356.

Submissions (2):

Ambry Genetics
Classification: Pathogenic for Hereditary cancer-predisposing syndrome. Last evaluated: 2025-09-09. Review status: criteria provided, single submitter. Criteria: Ambry Variant Classification Scheme 2023. Collection method: clinical testing. Allele origin: germline.
Comment: The c.526delG pathogenic mutation, located in coding exon 2 of the MEN1 gene, results from a deletion of one nucleotide at nucleotide position 526, causing a translational frameshift with a predicted alternate stop codon (p.A176Pfs*9). This variant was reported in individual(s) with features consistent with multiple endocrine neoplasia type 1 (Ambry internal data). This variant is considered to be rare based on population cohorts in the Genome Aggregation Database (gnomAD). This alteration is expected to result in loss of function by premature protein truncation or nonsense-mediated mRNA decay. Based on the supporting evidence, this variant is interpreted as a disease-causing mutation.

Labcorp Genetics (formerly Invitae), Labcorp
Classification: Pathogenic for Multiple endocrine neoplasia, type 1. Last evaluated: 2024-05-15. Review status: criteria provided, single submitter. Criteria: Invitae Variant Classification Sherloc (09022015). Collection method: clinical testing. Allele origin: germline.
Comment: This sequence change creates a premature translational stop signal (p.Ala176Profs*9) in the MEN1 gene. It is expected to result in an absent or disrupted protein product. Loss-of-function variants in MEN1 are known to be pathogenic (PMID: 12112656, 17853334). This variant is not present in population databases (gnomAD no frequency). This premature translational stop signal has been observed in individual(s) with clinical features of MEN1-related conditions (PMID: 15714081). ClinVar contains an entry for this variant (Variation ID: 1746493). For these reasons, this variant has been classified as Pathogenic.

Literature cited by the submitters: PubMed 12112656 (cited by Labcorp Genetics (formerly Invitae), Labcorp); PubMed 17853334 (cited by Labcorp Genetics (formerly Invitae), Labcorp); PubMed 15714081 (cited by Labcorp Genetics (formerly Invitae), Labcorp).